The following is an entry in ClinVar:

ClinVar aggregate classification (germline): Pathogenic (1 of 4 stars; one submission).

Conditions:
Alstrom syndrome (ALMS). Identifiers: Orphanet 64, MedGen C0268425, MONDO:0008763, OMIM 203800.

Submission:

Labcorp Genetics (formerly Invitae), Labcorp
Classification: Pathogenic for Alstrom syndrome. Last evaluated: 2022-11-13. Review status: criteria provided, single submitter. Criteria: Invitae Variant Classification Sherloc (09022015). Collection method: clinical testing. Allele origin: germline.
Comment: For these reasons, this variant has been classified as Pathogenic. This sequence change creates a premature translational stop signal (p.Gln2891Profs*9) in the ALMS1 gene. It is expected to result in an absent or disrupted protein product. Loss-of-function variants in ALMS1 are known to be pathogenic (PMID: 17594715). This variant is not present in population databases (gnomAD no frequency). This variant has not been reported in the literature in individuals affected with ALMS1-related conditions.

Literature cited by the submitters: PubMed 17594715.

NM_001378454.1(ALMS1):c.8668dup (p.Gln2890fs)

Gene: ALMS1 (ALMS1 centrosome and basal body associated protein; plus strand). Cytogenetic location: 2p13.1.
Variant type: Duplication.
Coding change: c.8668dup on transcript NM_001378454.1 (MANE Select); coding-DNA position 8668, one base duplicated (C; older notation c.8668dupC).
Protein change: p.Gln2890fs; shifts the reading frame from glutamine 2890.
Molecular consequence: frameshift variant.
Genome position (GRCh38, 1-based): chr2:73,490,627, C duplicated. VCF-style (leftmost placement, unchanged base first): chr2-73490626-A-AC. GRCh37 (hg19) VCF-style: chr2-73717753-A-AC.
Other names: c.8671dup, p.Gln2891fs (NM_015120.4); short protein forms Q2890fs, Q2891fs.
Identifiers: ClinVar variation 2813987 (VCV002813987.3), dbSNP rs2466216987, ClinGen allele CA2739271088.